The following is an entry in ClinVar:

ClinVar aggregate classification (germline): Likely pathogenic (1 of 4 stars; one submission).

Submission:

Labcorp Genetics (formerly Invitae), Labcorp
Classification: Likely pathogenic. Last evaluated: 2024-02-23. Review status: criteria provided, single submitter. Criteria: Invitae Variant Classification Sherloc (09022015). Collection method: clinical testing. Allele origin: germline.
Comment: This sequence change replaces alanine, which is neutral and non-polar, with glutamic acid, which is acidic and polar, at codon 208 of the GPR143 protein (p.Ala208Glu). This variant is not present in population databases (gnomAD no frequency). This missense change has been observed in individual(s) with ocular albinism (PMID: 30555098; Invitae). ClinVar contains an entry for this variant (Variation ID: 2159554). Advanced modeling of protein sequence and biophysical properties (such as structural, functional, and spatial information, amino acid conservation, physicochemical variation, residue mobility, and thermodynamic stability) performed at Invitae indicates that this missense variant is expected to disrupt GPR143 protein function with a positive predictive value of 80%. In summary, the currently available evidence indicates that the variant is pathogenic, but additional data are needed to prove that conclusively. Therefore, this variant has been classified as Likely Pathogenic.

Literature cited by the submitters: PubMed 30555098.

NM_000273.3(GPR143):c.623C>A (p.Ala208Glu)

Gene: GPR143 (G protein-coupled receptor 143; minus strand). Cytogenetic location: Xp22.2.
Variant type: single nucleotide variant.
Coding change: c.623C>A on transcript NM_000273.3 (MANE Select); coding-DNA position 623, C replaced by A.
Protein change: p.Ala208Glu; replaces alanine 208 with glutamic acid.
Molecular consequence: missense variant.
Genome position (GRCh38, 1-based): chrX:9,746,079, G>T on the plus strand (C>A on the coding strand, the complement: GPR143 is on the minus strand). VCF-style: chrX-9746079-G-T. GRCh37 (hg19) VCF-style: chrX-9714119-G-T.
Other names: short protein forms A208E.
Identifiers: ClinVar variation 2159554 (VCV002159554.4), dbSNP rs761860018, ClinGen allele CA411997283.
Genomic context (GRCh38, chrX:9,746,079, plus strand): 5'-CCCAGAGAGCTTCCCTAGTATTTACCTGCAGTCACTGTCTTTTGGAACAGGATGGGGTTC[G>T]CCACGAGAACCAGCAGCAGGGGCAGGTACATGGTGACATAGTGGGGGATGGCGTGGTCCA-3'
Protein context (NP_000264.2, residues 198-218): MYLPLLLVLV[Ala208Glu]NPILFQKTVT